The following is an entry in ClinVar:

NM_006904.7(PRKDC):c.3094T>C (p.Cys1032Arg)

Gene: PRKDC (protein kinase, DNA-activated, catalytic subunit; minus strand). Cytogenetic location: 8q11.21.
Variant type: single nucleotide variant.
Coding change: c.3094T>C on transcript NM_006904.7 (MANE Select); coding-DNA position 3094, T replaced by C.
Protein change: p.Cys1032Arg; replaces cysteine 1032 with arginine.
Molecular consequence: missense variant.
Genome position (GRCh38, 1-based): chr8:47,902,744, A>G on the plus strand (T>C on the coding strand, the complement: PRKDC is on the minus strand). VCF-style: chr8-47902744-A-G. GRCh37 (hg19) VCF-style: chr8-48815304-A-G.
Other names: c.3094T>C, p.Cys1032Arg (NM_001081640.2); short protein forms C1032R.
Identifiers: ClinVar variation 2561919 (VCV002561919.2), dbSNP rs2551875596, ClinGen allele CA371157055.
Genomic context (GRCh38, chr8:47,902,744, plus strand): 5'-TCTTCTCCTGCTGCTGTGGTGTTATTTGCTTAATGGACCATTTAAGGAATTCTCGAATAC[A>G]CCGACCACAAAAATCTCTTAAAGTACTGTCAACAGGGTCCACAATTCCATCCTGAAACAA-3'
Protein context (NP_008835.5, residues 1022-1042): DSTLRDFCGR[Cys1032Arg]IREFLKWSIK

ClinVar aggregate classification (germline): Uncertain significance (1 of 4 stars; one submission).

Submission:

Ambry Genetics
Classification: Uncertain significance. Last evaluated: 2023-06-10. Review status: criteria provided, single submitter. Criteria: Ambry Variant Classification Scheme 2023. Collection method: clinical testing. Allele origin: germline.
Comment: The p.C1032R variant (also known as c.3094T>C), located in coding exon 27 of the PRKDC gene, results from a T to C substitution at nucleotide position 3094. The cysteine at codon 1032 is replaced by arginine, an amino acid with highly dissimilar properties. This amino acid position is conserved. In addition, this alteration is predicted to be deleterious by in silico analysis. Since supporting evidence is limited at this time, the clinical significance of this alteration remains unclear.